The following is an entry in ClinVar:

NM_182961.4(SYNE1):c.18208-4A>G

Gene: SYNE1 (spectrin repeat containing nuclear envelope protein 1; minus strand). Cytogenetic location: 6q25.2.
Variant type: single nucleotide variant.
Coding change: c.18208-4A>G on transcript NM_182961.4 (MANE Select); 4 bases into the intron before coding-DNA position 18208, A replaced by G.
Molecular consequence: intron variant.
Genome position (GRCh38, 1-based): chr6:152,281,984, T>C on the plus strand (A>G on the coding strand, the complement: SYNE1 is on the minus strand). VCF-style: chr6-152281984-T-C. GRCh37 (hg19) VCF-style: chr6-152603119-T-C.
Other names: c.17995-4A>G (NM_033071.5).
Identifiers: ClinVar variation 650542 (VCV000650542.8), dbSNP rs1246664941, ClinGen allele CA820891359.
Genomic context (GRCh38, chr6:152,281,984, plus strand): 5'-ATACCTCTGCAGGGCCTGTTCCTGCCTTTGTTCCTCCAGCTGATCATTCAACTTCTCCTG[T>C]TGAATTCAGTAGAAGGTAATATAGATCACGCTAAGGTAAAATCTTGAGAATTTAACACAG-3'

ClinVar aggregate classification (germline): Uncertain significance (1 of 4 stars; one submission).

Conditions:
Emery-Dreifuss muscular dystrophy 4, autosomal dominant (EDMD4). Also called: EMERY-DREIFUSS MUSCULAR DYSTROPHY 4 WITH VARIABLE FEATURES. Identifiers: Orphanet 261, MedGen C2751807, MONDO:0013071, OMIM 612998.
Autosomal recessive ataxia, Beauce type. Also called: Spinocerebellar ataxia, autosomal recessive 8; ATAXIA, RECESSIVE, OF BEAUCE; SYNE1-Related Autosomal Recessive Cerebellar Ataxia; SYNE1 Deficiency. Identifiers: Orphanet 88644, MedGen C1853116, MONDO:0012549, OMIM 610743.

Allele frequency attached by ClinVar (database versions not stated): TOPMed 0.00001; gnomAD exomes 0.00001.
gnomAD v4.1: 15 of 1,613,496 alleles (0.00093%); highest among the groups gnomAD compares: Non-Finnish European, 0.0013%; no homozygotes.

Submission:

Labcorp Genetics (formerly Invitae), Labcorp
Classification: Uncertain significance for Emery-Dreifuss muscular dystrophy 4, autosomal dominant; Autosomal recessive ataxia, Beauce type. Last evaluated: 2018-07-16. Review status: criteria provided, single submitter. Criteria: Invitae Variant Classification Sherloc (09022015). Collection method: clinical testing. Allele origin: germline.
Comment: This sequence change falls in intron 95 of the SYNE1 gene. It does not directly change the encoded amino acid sequence of the SYNE1 protein. Algorithms developed to predict the effect of sequence changes on RNA splicing suggest that this variant may disrupt the consensus splice site, but this prediction has not been confirmed by published transcriptional studies. This variant has not been reported in the literature in individuals with SYNE1-related disease. This variant is not present in population databases (ExAC no frequency). In summary, the available evidence is currently insufficient to determine the role of this variant in disease. Therefore, it has been classified as a Variant of Uncertain Significance.